The following is an entry in ClinVar:

NM_001374736.1(DST):c.19892A>G (p.His6631Arg)

Gene: DST (dystonin; minus strand). Cytogenetic location: 6p12.1.
Variant type: single nucleotide variant.
Coding change: c.19892A>G on transcript NM_001374736.1 (MANE Select); coding-DNA position 19892, A replaced by G.
Protein change: p.His6631Arg; replaces histidine 6631 with arginine.
Molecular consequence: missense variant.
Genome position (GRCh38, 1-based): chr6:56,501,084, T>C on the plus strand (A>G on the coding strand, the complement: DST is on the minus strand). VCF-style: chr6-56501084-T-C. GRCh37 (hg19) VCF-style: chr6-56365882-T-C.
Other names: c.13535A>G, p.His4512Arg (NM_001144769.5); c.13121A>G, p.His4374Arg (NM_001144770.2); c.19892A>G, p.His6631Arg (NM_001374722.1); c.18932A>G, p.His6311Arg (NM_001374729.1); c.12674A>G, p.His4225Arg (NM_001374730.1); c.19919A>G, p.His6640Arg (NM_001374734.1); c.13001A>G, p.His4334Arg (NM_001386100.1, NM_183380.4); c.12023A>G, p.His4008Arg (NM_015548.5); short protein forms H4225R, H4374R, H6640R, H4512R, H6311R, H6631R, H4334R, H4008R.
Identifiers: ClinVar variation 2929567 (VCV002929567.3), dbSNP rs2096106870, ClinGen allele CA364519952.

ClinVar aggregate classification (germline): Uncertain significance (1 of 4 stars; one submission).

Conditions:
Hereditary sensory and autonomic neuropathy type 6. Also called: HSAN VI; Neuropathy, hereditary sensory and autonomic, type VI. Identifiers: Orphanet 314381, MedGen C3539003, MONDO:0013839, OMIM 614653.
Epidermolysis bullosa simplex 3, localized or generalized intermediate, with BP230 deficiency (EBS3). Also called: Epidermolysis bullosa simplex, autosomal recessive 2; Epidermolysis bullosa simplex due to BP230 deficiency. Identifiers: Orphanet 412181, MedGen C3809470, MONDO:0014180, OMIM 615425.

gnomAD v4.1: 1 of 1,612,388 alleles (0.000062%); no homozygotes.

Submission:

Labcorp Genetics (formerly Invitae), Labcorp
Classification: Uncertain significance for Epidermolysis bullosa simplex 3, localized or generalized intermediate, with BP230 deficiency; Hereditary sensory and autonomic neuropathy type 6. Last evaluated: 2023-08-07. Review status: criteria provided, single submitter. Criteria: Invitae Variant Classification Sherloc (09022015). Collection method: clinical testing. Allele origin: germline.
Comment: In summary, the available evidence is currently insufficient to determine the role of this variant in disease. Therefore, it has been classified as a Variant of Uncertain Significance. Experimental studies and prediction algorithms are not available or were not evaluated, and the functional significance of this variant is currently unknown. This variant has not been reported in the literature in individuals affected with DST-related conditions. This variant is not present in population databases (gnomAD no frequency). This sequence change replaces histidine, which is basic and polar, with arginine, which is basic and polar, at codon 4008 of the DST protein (p.His4008Arg). The DST gene has multiple clinically relevant transcripts. This variant occurs in alternate transcript NM_015548.4, and corresponds to NM_001723.5:c.*114433A>G in the primary transcript.